The following is an entry in ClinVar:

NM_001243133.2(NLRP3):c.1840G>A (p.Ala614Thr)

Gene: NLRP3 (NLR family pyrin domain containing 3; plus strand). Cytogenetic location: 1q44.
Variant type: single nucleotide variant.
Coding change: c.1840G>A on transcript NM_001243133.2 (MANE Select); coding-DNA position 1840, G replaced by A.
Protein change: p.Ala614Thr; replaces alanine 614 with threonine.
Molecular consequence: missense variant.
Genome position (GRCh38, 1-based): chr1:247,425,289, G>A. VCF-style: chr1-247425289-G-A. GRCh37 (hg19) VCF-style: chr1-247588591-G-A.
Other names: c.1840G>A, p.Ala614Thr (NM_001079821.3, NM_001127461.3, NM_001127462.3 and 1 more transcripts); c.1846G>A, p.Ala616Thr (NM_004895.5); short protein forms A614T, A616T.
Identifiers: ClinVar variation 4800147 (VCV004800147.1).

ClinVar aggregate classification (germline): Uncertain significance (1 of 4 stars; one submission).

Conditions:
Cryopyrin associated periodic syndrome (CAPS). Identifiers: Orphanet 208650, MedGen C2316212, MONDO:0016168.

gnomAD v4.1: 1 of 1,614,042 alleles (0.000062%); highest among the groups gnomAD compares: Non-Finnish European, 0.000085%; no homozygotes.

Submission:

Labcorp Genetics (formerly Invitae), Labcorp
Classification: Uncertain significance for Cryopyrin associated periodic syndrome. Last evaluated: 2025-04-22. Review status: criteria provided, single submitter. Criteria: Invitae Variant Classification Sherloc (09022015). Collection method: clinical testing. Allele origin: germline.
Comment: This sequence change replaces alanine, which is neutral and non-polar, with threonine, which is neutral and polar, at codon 616 of the NLRP3 protein (p.Ala616Thr). This variant is present in population databases (no rsID available, gnomAD 0.007%). This variant has not been reported in the literature in individuals affected with NLRP3-related conditions. Invitae Evidence Modeling of protein sequence and biophysical properties (such as structural, functional, and spatial information, amino acid conservation, physicochemical variation, residue mobility, and thermodynamic stability) has been performed for this missense variant. However, the output from this modeling did not meet the statistical confidence thresholds required to predict the impact of this variant on NLRP3 protein function. In summary, the available evidence is currently insufficient to determine the role of this variant in disease. Therefore, it has been classified as a Variant of Uncertain Significance.